The following is an entry in ClinVar:

ClinVar aggregate classification (germline): Pathogenic (1 of 4 stars; one submission).

Conditions:
Tuberous sclerosis 2 (TSC2). Identifiers: Orphanet 805, MedGen C1860707, MONDO:0013199, OMIM 613254.

Submission:

Labcorp Genetics (formerly Invitae), Labcorp
Classification: Pathogenic for Tuberous sclerosis 2. Last evaluated: 2023-09-25. Review status: criteria provided, single submitter. Criteria: Invitae Variant Classification Sherloc (09022015). Collection method: clinical testing. Allele origin: unknown.
Comment: This variant is a gross deletion of the genomic region encompassing exon(s) 1-26 of the TSC2 gene, which includes the initiator codon. This deletion extends beyond the assayed region for this gene and therefore may encompass additional genes. It is expected to result in an absent or disrupted protein product. Loss-of-function variants in TSC2 are known to be pathogenic (PMID: 10205261, 17304050). This variant has not been reported in the literature in individuals affected with TSC2-related conditions. For these reasons, this variant has been classified as Pathogenic.

Literature cited by the submitters: PubMed 10205261; PubMed 17304050.

NC_000016.9:g.(?_2097990)_(2127747_?)del

Gene: TSC2 (TSC complex subunit 2; plus strand). Cytogenetic location: 16p13.3.
Variant type: Deletion.
Identifiers: ClinVar variation 3243445 (VCV003243445.1).